The following is an entry in ClinVar:

NM_000528.4(MAN2B1):c.2354C>T (p.Thr785Met)

Gene: MAN2B1 (mannosidase alpha class 2B member 1; minus strand). Cytogenetic location: 19p13.13.
Variant type: single nucleotide variant.
Coding change: c.2354C>T on transcript NM_000528.4 (MANE Select); coding-DNA position 2354, C replaced by T.
Protein change: p.Thr785Met; replaces threonine 785 with methionine.
Molecular consequence: missense variant.
Genome position (GRCh38, 1-based): chr19:12,649,342, G>A on the plus strand (C>T on the coding strand, the complement: MAN2B1 is on the minus strand). VCF-style: chr19-12649342-G-A. GRCh37 (hg19) VCF-style: chr19-12760156-G-A.
Other names: c.2351C>T, p.Thr784Met (NM_001173498.2); short protein forms T784M, T785M.
Identifiers: ClinVar variation 2148729 (VCV002148729.1), dbSNP rs372011807, ClinGen allele CA9226072.
Genomic context (GRCh38, chr19:12,649,342, plus strand): 5'-AGATAAGGGGTGATTCCCTTTCTATCGAGGTGGGGAGGTGCAGGATGGGGGAGAGCTACC[G>A]TGATGTAAATCCGGGTGTTGACTGGATAGTAGTTTCCTGCCACGGGCTCCGTCTGGTTCA-3'
Protein context (NP_000519.2, residues 775-795): YYPVNTRIYI[Thr785Met]DGNMQLTVLT

ClinVar aggregate classification (germline): Uncertain significance (1 of 4 stars; one submission).

Conditions:
Deficiency of alpha-mannosidase (MANSA). Also called: LYSOSOMAL ALPHA-D-MANNOSIDASE DEFICIENCY; Alpha-Mannosidosis; Mannosidosis, alpha-, types I and II. Identifiers: Orphanet 61, MedGen C0024748, MONDO:0009561, OMIM 248500.

Allele frequency attached by ClinVar (database versions not stated): TOPMed below 0.00001; gnomAD exomes 0.00001; gnomAD 0.00002; ExAC 0.00003; ESP Exome Variant Server 0.00008.
gnomAD v4.1: 7 of 1,612,546 alleles (0.00043%); highest among the groups gnomAD compares: South Asian, 0.0033%; no homozygotes.

Submission:

Labcorp Genetics (formerly Invitae), Labcorp
Classification: Uncertain significance for Deficiency of alpha-mannosidase. Last evaluated: 2021-12-23. Review status: criteria provided, single submitter. Criteria: Invitae Variant Classification Sherloc (09022015). Collection method: clinical testing. Allele origin: germline.
Comment: This sequence change replaces threonine, which is neutral and polar, with methionine, which is neutral and non-polar, at codon 785 of the MAN2B1 protein (p.Thr785Met). This variant is present in population databases (rs372011807, gnomAD 0.007%). This variant has not been reported in the literature in individuals affected with MAN2B1-related conditions. Algorithms developed to predict the effect of missense changes on protein structure and function are either unavailable or do not agree on the potential impact of this missense change (SIFT: "Deleterious"; PolyPhen-2: "Possibly Damaging"; Align-GVGD: "Class C0"). Algorithms developed to predict the effect of sequence changes on RNA splicing suggest that this variant may disrupt the consensus splice site. In summary, the available evidence is currently insufficient to determine the role of this variant in disease. Therefore, it has been classified as a Variant of Uncertain Significance.